The following is an entry in ClinVar:

ClinVar aggregate classification (germline): Uncertain significance (1 of 4 stars; one submission).

Submission:

GeneDx
Classification: Uncertain significance. Last evaluated: 2024-02-04. Review status: criteria provided, single submitter. Criteria: GeneDx Variant Classification Process June 2021. Collection method: clinical testing. Allele origin: germline. Affected: yes.
Comment: Not observed at significant frequency in large population cohorts (gnomAD); In silico analysis supports that this missense variant has a deleterious effect on protein structure/function; Has not been previously published as pathogenic or benign to our knowledge

NM_014516.4(CNOT3):c.635A>C (p.Asp212Ala)

Gene: CNOT3 (CCR4-NOT transcription complex subunit 3; plus strand). Cytogenetic location: 19q13.42.
Variant type: single nucleotide variant.
Coding change: c.635A>C on transcript NM_014516.4 (MANE Select); coding-DNA position 635, A replaced by C.
Protein change: p.Asp212Ala; replaces aspartic acid 212 with alanine.
Molecular consequence: missense variant.
Genome position (GRCh38, 1-based): chr19:54,145,749, A>C. VCF-style: chr19-54145749-A-C. GRCh37 (hg19) VCF-style: chr19-54649485-A-C.
Other names: short protein forms D212A.
Identifiers: ClinVar variation 3368469 (VCV003368469.1).